The following is an entry in ClinVar:

ClinVar aggregate classification (germline): Uncertain significance (1 of 4 stars; one submission).

Conditions:
Noonan syndrome (NS). Also called: Noonan's syndrome. Identifiers: Orphanet 648, MedGen C0028326, MeSH D009634, MONDO:0018997. Disease mechanism: gain of function.

Submission:

Labcorp Genetics (formerly Invitae), Labcorp
Classification: Uncertain significance for Noonan syndrome. Last evaluated: 2021-07-06. Review status: criteria provided, single submitter. Criteria: Invitae Variant Classification Sherloc (09022015). Collection method: clinical testing. Allele origin: germline.
Comment: This sequence change affects the initiator methionine of the RRAS mRNA. The next in-frame methionine is located at codon 93. The frequency data for this variant in the population databases is considered unreliable, as metrics indicate insufficient coverage at this position in the ExAC database. This variant has not been reported in the literature in individuals affected with RRAS-related conditions. In summary, the available evidence is currently insufficient to determine the role of this variant in disease. Therefore, it has been classified as a Variant of Uncertain Significance.

NM_006270.5(RRAS):c.2T>A (p.Met1Lys)

Gene: RRAS (RAS related; minus strand). Cytogenetic location: 19q13.33.
Variant type: single nucleotide variant.
Coding change: c.2T>A on transcript NM_006270.5 (MANE Select); coding-DNA position 2, T replaced by A.
Protein change: p.Met1Lys; changes the start codon (methionine 1).
Molecular consequence: missense variant, initiator codon variant.
Genome position (GRCh38, 1-based): chr19:49,640,097, A>T on the plus strand (T>A on the coding strand, the complement: RRAS is on the minus strand). VCF-style: chr19-49640097-A-T. GRCh37 (hg19) VCF-style: chr19-50143354-A-T.
Other names: short protein forms M1K.
Identifiers: ClinVar variation 1496557 (VCV001496557.6), dbSNP rs928367564, ClinGen allele CA406850316.